The following is an entry in ClinVar:

ClinVar aggregate classification (germline): Uncertain significance. Review status: criteria provided, multiple submitters, no conflicts (2 of 4 stars). 2 submissions from 2 submitters: Uncertain significance (2). Last evaluated 2024-06-27.

Allele frequency attached by ClinVar (database versions not stated): ExAC 0.00002; gnomAD 0.00002; TOPMed 0.00002; gnomAD exomes 0.00003.
gnomAD v4.1: 41 of 1,614,026 alleles (0.0025%); highest among the groups gnomAD compares: Non-Finnish European, 0.0034%; no homozygotes.

Submissions (2):

Labcorp Genetics (formerly Invitae), Labcorp
Classification: Uncertain significance. Last evaluated: 2024-06-27. Review status: criteria provided, single submitter. Criteria: Invitae Variant Classification Sherloc (09022015). Collection method: clinical testing. Allele origin: germline.
Comment: This sequence change falls in intron 17 of the HSPG2 gene. It does not directly change the encoded amino acid sequence of the HSPG2 protein. It affects a nucleotide within the consensus splice site. This variant is present in population databases (rs755043449, gnomAD 0.004%). This variant has not been reported in the literature in individuals affected with HSPG2-related conditions. ClinVar contains an entry for this variant (Variation ID: 2432606). Variants that disrupt the consensus splice site are a relatively common cause of aberrant splicing (PMID: 17576681, 9536098). Algorithms developed to predict the effect of sequence changes on RNA splicing suggest that this variant is not likely to affect RNA splicing. In summary, the available evidence is currently insufficient to determine the role of this variant in disease. Therefore, it has been classified as a Variant of Uncertain Significance.

Revvity Omics, Revvity
Classification: Uncertain significance. Last evaluated: 2021-02-25. Review status: criteria provided, single submitter. Criteria: ACMG Guidelines, 2015. Collection method: clinical testing. Allele origin: germline.

Literature cited by the submitters: PubMed 17576681 (cited by Labcorp Genetics (formerly Invitae), Labcorp); PubMed 9536098 (cited by Labcorp Genetics (formerly Invitae), Labcorp).

NM_005529.7(HSPG2):c.2343+3G>A

Gene: HSPG2 (heparan sulfate proteoglycan 2; minus strand). Cytogenetic location: 1p36.12.
Variant type: single nucleotide variant.
Coding change: c.2343+3G>A on transcript NM_005529.7 (MANE Select); 3 bases into the intron after coding-DNA position 2343, G replaced by A.
Molecular consequence: intron variant.
Genome position (GRCh38, 1-based): chr1:21,880,104, C>T on the plus strand (G>A on the coding strand, the complement: HSPG2 is on the minus strand). VCF-style: chr1-21880104-C-T. GRCh37 (hg19) VCF-style: chr1-22206597-C-T.
Other names: c.2346+3G>A (NM_001291860.2).
Identifiers: ClinVar variation 2432606 (VCV002432606.5), dbSNP rs755043449, ClinGen allele CA673112.
Genomic context (GRCh38, chr1:21,880,104, plus strand): 5'-GGGAATCTCACACATTGTCCCTTCTCCTATTTTAGTGTTCAAGTGTCTGCTGGCACTACT[C>T]ACCAGGCAGTGGCCATACACAGGGTCACAGGAGCTGGCATGGCCATTGCAATTGCAACCA-3'